The following is an entry in ClinVar:

ClinVar aggregate classification (germline): Likely pathogenic (1 of 4 stars; one submission).

Conditions:
Arthrogryposis, distal, with impaired proprioception and touch (DAIPT). Identifiers: MedGen C4310692, MONDO:0014941, OMIM 617146.

Submission:

Laboratorio de Genetica e Diagnostico Molecular, Hospital Israelita Albert Einstein
Classification: Likely pathogenic for Arthrogryposis, distal, with impaired proprioception and touch. Last evaluated: 2022-09-09. Review status: criteria provided, single submitter. Criteria: ACMG Guidelines, 2015. Collection method: clinical testing. Allele origin: germline. Affected: yes. Observed: 1 variant allele.
Comment: ACMG classification criteria: PVS1 very strong, PM2 moderated

NM_001378183.1(PIEZO2):c.7433G>A (p.Trp2478Ter)

Gene: PIEZO2 (piezo type mechanosensitive ion channel component 2; minus strand). Cytogenetic location: 18p11.22.
Variant type: single nucleotide variant.
Coding change: c.7433G>A on transcript NM_001378183.1 (MANE Select); coding-DNA position 7433, G replaced by A.
Protein change: p.Trp2478Ter; replaces tryptophan 2478 with a stop codon.
Molecular consequence: nonsense.
Genome position (GRCh38, 1-based): chr18:10,689,719, C>T on the plus strand (G>A on the coding strand, the complement: PIEZO2 is on the minus strand). VCF-style: chr18-10689719-C-T. GRCh37 (hg19) VCF-style: chr18-10689717-C-T.
Other names: c.7169G>A, p.Trp2390Ter (NM_001410871.1); c.7094G>A, p.Trp2365Ter (NM_022068.4); short protein forms W2365*, W2390*, W2478*.
Identifiers: ClinVar variation 2431902 (VCV002431902.1), dbSNP rs985379792, ClinGen allele CA295987561.